The following is an entry in ClinVar:

NM_025137.4(SPG11):c.2244+5G>A

Gene: SPG11 (SPG11 vesicle trafficking associated, spatacsin; minus strand). Cytogenetic location: 15q21.1.
Variant type: single nucleotide variant.
Coding change: c.2244+5G>A on transcript NM_025137.4 (MANE Select); 5 bases into the intron after coding-DNA position 2244, G replaced by A.
Molecular consequence: intron variant.
Genome position (GRCh38, 1-based): chr15:44,626,326, C>T on the plus strand (G>A on the coding strand, the complement: SPG11 is on the minus strand). VCF-style: chr15-44626326-C-T. GRCh37 (hg19) VCF-style: chr15-44918524-C-T.
Other names: c.2244+5G>A (NM_001160227.2).
Identifiers: ClinVar variation 534884 (VCV000534884.4), dbSNP rs1330702477, ClinGen allele CA618006240.

ClinVar aggregate classification (germline): Uncertain significance (1 of 4 stars; one submission).

Conditions:
Hereditary spastic paraplegia 11. Also called: Nakamura Osame syndrome; Autosomal recessive hereditary spastic paraplegia, mental impairment, and thin corpus callosum; Spastic paraplegia, mental retardation and thin corpus callosum; SPASTIC PARAPLEGIA, AUTOSOMAL RECESSIVE, COMPLICATED, WITH THIN CORPUS CALLOSUM; SPASTIC PARAPLEGIA, AUTOSOMAL RECESSIVE, WITH MENTAL IMPAIRMENT AND THIN CORPUS CALLOSUM; Spastic Paraplegia 11. Identifiers: Orphanet 2822, MedGen C1858479, MONDO:0011445, OMIM 604360.

Allele frequency attached by ClinVar (database versions not stated): gnomAD exomes below 0.00001 and 0.00001.
gnomAD v4.1: 10 of 1,608,564 alleles (0.00062%); highest among the groups gnomAD compares: Non-Finnish European, 0.00076%; no homozygotes.

Submission:

Labcorp Genetics (formerly Invitae), Labcorp
Classification: Uncertain significance for Hereditary spastic paraplegia 11. Last evaluated: 2021-03-24. Review status: criteria provided, single submitter. Criteria: Invitae Variant Classification Sherloc (09022015). Collection method: clinical testing. Allele origin: germline.
Comment: This sequence change falls in intron 11 of the SPG11 gene. It does not directly change the encoded amino acid sequence of the SPG11 protein, but it affects a nucleotide within the consensus splice site of the intron. This variant is not present in population databases (ExAC no frequency). This variant has not been reported in the literature in individuals with SPG11-related disease. Nucleotide substitutions within the consensus splice site are a relatively common cause of aberrant splicing (PMID: 17576681, 9536098). Algorithms developed to predict the effect of sequence changes on RNA splicing suggest that this variant may disrupt the consensus splice site, but this prediction has not been confirmed by published transcriptional studies. In summary, the available evidence is currently insufficient to determine the role of this variant in disease. Therefore, it has been classified as a Variant of Uncertain Significance.

Literature cited by the submitters: PubMed 17576681; PubMed 9536098.